The following is an entry in ClinVar:

ClinVar aggregate classification (germline): Likely benign (0 of 4 stars; one submission).

Conditions:
INO80-related disorder. Also called: INO80-related condition.

Submission:

PreventionGenetics, part of Exact Sciences
Classification: Likely benign for INO80-related condition. Last evaluated: 2023-11-08. Review status: no assertion criteria provided. Collection method: clinical testing. Allele origin: germline.
Comment: This variant is classified as likely benign based on ACMG/AMP sequence variant interpretation guidelines (Richards et al. 2015 PMID: 25741868, with internal and published modifications).

NM_017553.3(INO80):c.57C>G (p.Pro19=)

Gene: INO80 (INO80 complex ATPase subunit; minus strand). Cytogenetic location: 15q15.1.
Variant type: single nucleotide variant.
Coding change: c.57C>G on transcript NM_017553.3 (MANE Select); coding-DNA position 57, C replaced by G.
Protein change: p.Pro19=; no amino-acid change (proline 19 retained).
Molecular consequence: synonymous variant. On other transcripts: non-coding transcript variant (1).
Genome position (GRCh38, 1-based): chr15:41,096,254, G>C on the plus strand (C>G on the coding strand, the complement: INO80 is on the minus strand). VCF-style: chr15-41096254-G-C. GRCh37 (hg19) VCF-style: chr15-41388452-G-C.
Identifiers: ClinVar variation 3029135 (VCV003029135.2), dbSNP rs144276063, ClinGen allele CA489788116.
Genomic context (GRCh38, chr15:41,096,254, plus strand): 5'-TGACGTTTGTCGCAGAAAATGGTCCAACCGGAGGGCCCTCTCCAAGTACTGAAGATAGAG[G>C]GGCTTTGCCAGCTCAGTGCAGCCTCCATCATCCCTGGCACCCAACTCCGAGGCCATAGAA-3'
Protein context (NP_060023.1, residues 9-29): DDGGCTELAK[Pro19=]LYLQYLERAL